The following is an entry in ClinVar:

NM_000218.3(KCNQ1):c.1514+10345C>T

Genes: KCNQ1 (potassium voltage-gated channel subfamily Q member 1; plus strand), KCNQ1OT1 (KCNQ1 opposite strand/antisense transcript 1; minus strand). Cytogenetic location: 11p15.5.
Variant type: single nucleotide variant.
Coding change: c.1514+10345C>T on transcript NM_000218.3 (MANE Select); 10345 bases into the intron after coding-DNA position 1514, C replaced by T.
Molecular consequence: intron variant. On other transcripts: non-coding transcript variant (1).
Genome position (GRCh38, 1-based): chr11:2,672,426, C>T. VCF-style: chr11-2672426-C-T. GRCh37 (hg19) VCF-style: chr11-2693656-C-T.
Other names: c.1244+10345C>T (NM_001406837.1); c.1418+10345C>T (NM_001406836.1); c.974+10345C>T (NM_001406838.1); c.1133+10345C>T (NM_181798.2).
Identifiers: ClinVar variation 2641468 (VCV002641468.24), dbSNP rs555495135, ClinGen allele CA216178691.

ClinVar aggregate classification (germline): Benign (1 of 4 stars; one submission).

Allele frequency attached by ClinVar (database versions not stated): gnomAD exomes 0.00003; gnomAD 0.00037; TOPMed 0.00038; 1000 Genomes Project 0.00040; 1000 Genomes Project 30x 0.00062.
gnomAD v4.1: 64 of 398,552 alleles (0.016%); highest among the groups gnomAD compares: African/African-American, 0.11%; no homozygotes.

Submission:

CeGaT Center for Human Genetics Tuebingen
Classification: Benign. Last evaluated: 2022-09-01. Review status: criteria provided, single submitter. Criteria: CeGaT Center For Human Genetics Tuebingen Variant Classification Criteria Version 2. Collection method: clinical testing. Allele origin: germline. Affected: yes. Observed: 1 variant allele.
Comment: KCNQ1OT1: BS1, BS2